The following is an entry in ClinVar:

NM_001008537.3(NEXMIF):c.1873del (p.Ala625fs)

Gene: NEXMIF (neurite extension and migration factor; minus strand). Cytogenetic location: Xq13.3.
Variant type: Deletion.
Coding change: c.1873del on transcript NM_001008537.3 (MANE Select); coding-DNA position 1873, one base deleted (G; older notation c.1873delG).
Protein change: p.Ala625fs; shifts the reading frame from alanine 625.
Molecular consequence: frameshift variant.
Genome position (GRCh38, 1-based): chrX:74,742,684, C deleted on the plus strand (G on the coding strand, the reverse complement: NEXMIF is on the minus strand). VCF-style (leftmost placement, unchanged base first): chrX-74742683-GC-G. GRCh37 (hg19) VCF-style: chrX-73962518-GC-G.
Other names: short protein forms A625fs.
Identifiers: ClinVar variation 1440224 (VCV001440224.6), dbSNP rs2147440618, ClinGen allele CA2573159512.

ClinVar aggregate classification (germline): Pathogenic (1 of 4 stars; one submission).

Submission:

Labcorp Genetics (formerly Invitae), Labcorp
Classification: Pathogenic. Last evaluated: 2020-11-21. Review status: criteria provided, single submitter. Criteria: Invitae Variant Classification Sherloc (09022015). Collection method: clinical testing. Allele origin: germline.
Comment: For these reasons, this variant has been classified as Pathogenic. This variant has not been reported in the literature in individuals with NEXMIF-related conditions. This variant is not present in population databases (ExAC no frequency). This sequence change creates a premature translational stop signal (p.Ala625Leufs*47) in the NEXMIF gene. It is expected to result in an absent or disrupted protein product. Loss-of-function variants in NEXMIF are known to be pathogenic (PMID: 23615299).

Literature cited by the submitters: PubMed 23615299.